The following is an entry in ClinVar:

ClinVar aggregate classification (germline): Uncertain significance (1 of 4 stars; one submission).

Submission:

CeGaT Center for Human Genetics Tuebingen
Classification: Uncertain significance. Last evaluated: 2025-04-01. Review status: criteria provided, single submitter. Criteria: CeGaT Center For Human Genetics Tuebingen Variant Classification Criteria Version 2. Collection method: clinical testing. Allele origin: germline. Affected: yes. Observed: 2 variant alleles.
Comment: SIK1: PM2

NM_173354.5(SIK1):c.753_754del (p.Cys251_Glu252delinsTer)

Gene: SIK1 (salt inducible kinase 1; minus strand). Cytogenetic location: 21q22.3.
Variant type: Microsatellite.
Coding change: c.753_754del on transcript NM_173354.5 (MANE Select); coding-DNA positions 753 to 754, 2 bases deleted (TG; older notation c.753_754delTG).
Protein change: p.Cys251_Glu252delinsTer.
Molecular consequence: nonsense.
Genome position (GRCh38, 1-based): chr21:43,420,452-43,420,453, CA deleted on the plus strand (TG on the coding strand, the reverse complement: SIK1 is on the minus strand); deleting any 2 consecutive bases within chr21:43,420,452-43,420,455 gives the same sequence; the c. name uses the placement nearest the transcript's 3' end. VCF-style (leftmost placement, unchanged base first): chr21-43420451-TCA-T. GRCh37 (hg19) VCF-style: chr21-44840331-TCA-T.
Identifiers: ClinVar variation 871477 (VCV000871477.41), dbSNP rs2081052107, ClinGen allele CA645601792.